The following is an entry in ClinVar:

NM_015164.4(PLEKHM2):c.847T>C (p.Ser283Pro)

Gene: PLEKHM2 (pleckstrin homology and RUN domain containing M2; plus strand). Cytogenetic location: 1p36.21.
Variant type: single nucleotide variant.
Coding change: c.847T>C on transcript NM_015164.4 (MANE Select); coding-DNA position 847, T replaced by C.
Protein change: p.Ser283Pro; replaces serine 283 with proline.
Molecular consequence: missense variant.
Genome position (GRCh38, 1-based): chr1:15,725,451, T>C. VCF-style: chr1-15725451-T-C. GRCh37 (hg19) VCF-style: chr1-16051946-T-C.
Other names: c.787T>C, p.Ser263Pro (NM_001410755.1); short protein forms S263P, S283P.
Identifiers: ClinVar variation 3704680 (VCV003704680.2).
Genomic context (GRCh38, chr1:15,725,451, plus strand): 5'-AGGAGCCCCACCCAGCGCCAGAACCCCTTCAACGAGGAGCCGGCAGAGACTGTGTCCTCC[T>C]CTGACACCACCCCCGTGCACACCACCTCTCAGGAGAAGGAGGAGGCCCAGGCCCTGGACC-3'
Protein context (NP_055979.2, residues 273-293): NEEPAETVSS[Ser283Pro]DTTPVHTTSQ

ClinVar aggregate classification (germline): Uncertain significance (1 of 4 stars; one submission).

gnomAD v4.1: 4 of 1,571,516 alleles (0.00025%); highest among the groups gnomAD compares: Non-Finnish European, 0.00035%; no homozygotes.

Submission:

Labcorp Genetics (formerly Invitae), Labcorp
Classification: Uncertain significance. Last evaluated: 2024-06-15. Review status: criteria provided, single submitter. Criteria: Invitae Variant Classification Sherloc (09022015). Collection method: clinical testing. Allele origin: germline.
Comment: This sequence change replaces serine, which is neutral and polar, with proline, which is neutral and non-polar, at codon 283 of the PLEKHM2 protein (p.Ser283Pro). This variant is not present in population databases (gnomAD no frequency). This variant has not been reported in the literature in individuals affected with PLEKHM2-related conditions. An algorithm developed to predict the effect of missense changes on protein structure and function (PolyPhen-2) suggests that this variant is likely to be tolerated. In summary, the available evidence is currently insufficient to determine the role of this variant in disease. Therefore, it has been classified as a Variant of Uncertain Significance.